The following is an entry in ClinVar:

NM_000548.5(TSC2):c.1984C>G (p.Pro662Ala)

Gene: TSC2 (TSC complex subunit 2; plus strand). Cytogenetic location: 16p13.3.
Variant type: single nucleotide variant.
Coding change: c.1984C>G on transcript NM_000548.5 (MANE Select); coding-DNA position 1984, C replaced by G.
Protein change: p.Pro662Ala; replaces proline 662 with alanine.
Molecular consequence: missense variant.
Genome position (GRCh38, 1-based): chr16:2,071,821, C>G. VCF-style: chr16-2071821-C-G. GRCh37 (hg19) VCF-style: chr16-2121822-C-G.
Other names: c.1984C>G, p.Pro662Ala (NM_001077183.3, NM_001114382.3, NM_001363528.2 and 3 more transcripts); c.1873C>G, p.Pro625Ala (NM_001318827.2); c.1837C>G, p.Pro613Ala (NM_001318829.2); c.1384C>G, p.Pro462Ala (NM_001318831.2); c.2017C>G, p.Pro673Ala (NM_001318832.2); short protein forms P662A, P625A, P462A, P673A, P613A.
Identifiers: ClinVar variation 576412 (VCV000576412.8), dbSNP rs1309151152, ClinGen allele CA394274385.

ClinVar aggregate classification (germline): Uncertain significance (1 of 4 stars; one submission).

Conditions:
Tuberous sclerosis 2 (TSC2). Identifiers: Orphanet 805, MedGen C1860707, MONDO:0013199, OMIM 613254.

gnomAD v4.1: 2 of 1,600,512 alleles (0.00012%); highest among the groups gnomAD compares: East Asian, 0.0023%; no homozygotes.

Submission:

Labcorp Genetics (formerly Invitae), Labcorp
Classification: Uncertain significance for Tuberous sclerosis 2. Last evaluated: 2023-02-14. Review status: criteria provided, single submitter. Criteria: Invitae Variant Classification Sherloc (09022015). Collection method: clinical testing. Allele origin: germline.
Comment: This sequence change replaces proline, which is neutral and non-polar, with alanine, which is neutral and non-polar, at codon 662 of the TSC2 protein (p.Pro662Ala). This variant is not present in population databases (gnomAD no frequency). This variant has not been reported in the literature in individuals affected with TSC2-related conditions. ClinVar contains an entry for this variant (Variation ID: 576412). Advanced modeling of protein sequence and biophysical properties (such as structural, functional, and spatial information, amino acid conservation, physicochemical variation, residue mobility, and thermodynamic stability) performed at Invitae indicates that this missense variant is not expected to disrupt TSC2 protein function. In summary, the available evidence is currently insufficient to determine the role of this variant in disease. Therefore, it has been classified as a Variant of Uncertain Significance.